The following is an entry in ClinVar:

NM_001089.3(ABCA3):c.4075C>T (p.Gln1359Ter)

Gene: ABCA3 (ATP binding cassette subfamily A member 3; minus strand). Cytogenetic location: 16p13.3.
Variant type: single nucleotide variant.
Coding change: c.4075C>T on transcript NM_001089.3 (MANE Select); coding-DNA position 4075, C replaced by T.
Protein change: p.Gln1359Ter; replaces glutamine 1359 with a stop codon.
Molecular consequence: nonsense.
Genome position (GRCh38, 1-based): chr16:2,281,470, G>A on the plus strand (C>T on the coding strand, the complement: ABCA3 is on the minus strand). VCF-style: chr16-2281470-G-A. GRCh37 (hg19) VCF-style: chr16-2331471-G-A.
Other names: short protein forms Q1359*.
Identifiers: ClinVar variation 2910394 (VCV002910394.3), dbSNP rs1338219387, ClinGen allele CA394310446.

ClinVar aggregate classification (germline): Pathogenic (1 of 4 stars; one submission).

Allele frequency attached by ClinVar (database versions not stated): gnomAD exomes below 0.00001.
gnomAD v4.1: 2 of 1,613,666 alleles (0.00012%); highest among the groups gnomAD compares: Non-Finnish European, 0.00017%; no homozygotes.

Submission:

Labcorp Genetics (formerly Invitae), Labcorp
Classification: Pathogenic. Last evaluated: 2022-12-21. Review status: criteria provided, single submitter. Criteria: Invitae Variant Classification Sherloc (09022015). Collection method: clinical testing. Allele origin: germline.
Comment: This sequence change creates a premature translational stop signal (p.Gln1359*) in the ABCA3 gene. It is expected to result in an absent or disrupted protein product. Loss-of-function variants in ABCA3 are known to be pathogenic (PMID: 27516224). This variant is not present in population databases (gnomAD no frequency). This premature translational stop signal has been observed in individual(s) with ABCA3 deficiency (PMID: 24871971). For these reasons, this variant has been classified as Pathogenic.

Literature cited by the submitters: PubMed 27516224; PubMed 24871971.